The following is an entry in ClinVar:

NM_017866.6(TMEM70):c.275G>T (p.Gly92Val)

Gene: TMEM70 (transmembrane protein 70; plus strand). Cytogenetic location: 8q21.11.
Variant type: single nucleotide variant.
Coding change: c.275G>T on transcript NM_017866.6 (MANE Select); coding-DNA position 275, G replaced by T.
Protein change: p.Gly92Val; replaces glycine 92 with valine.
Molecular consequence: missense variant. On other transcripts: non-coding transcript variant (1).
Genome position (GRCh38, 1-based): chr8:73,978,820, G>T. VCF-style: chr8-73978820-G-T. GRCh37 (hg19) VCF-style: chr8-74891055-G-T.
Other names: c.275G>T, p.Gly92Val (NM_001040613.3); short protein forms G92V.
Identifiers: ClinVar variation 1039048 (VCV001039048.8), dbSNP rs957760262, ClinGen allele CA179291341.

ClinVar aggregate classification (germline): Uncertain significance (1 of 4 stars; one submission).

Conditions:
Mitochondrial complex V (ATP synthase) deficiency, nuclear type 2. Also called: Nuclear-Encoded ATPase Deficiency, TMEM70-Related; ENCEPHALOCARDIOMYOPATHY, MITOCHONDRIAL, NEONATAL, DUE TO ATP SYNTHASE DEFICIENCY; MITOCHONDRIAL COMPLEX V (ATP SYNTHASE) DEFICIENCY, TMEM70 TYPE. Identifiers: Orphanet 1194, MedGen C3279699, MONDO:0013546, OMIM 614052.

Allele frequency attached by ClinVar (database versions not stated): gnomAD exomes below 0.00001; TOPMed below 0.00001; gnomAD 0.00001.
gnomAD v4.1: 8 of 1,613,980 alleles (0.0005%); highest among the groups gnomAD compares: Non-Finnish European, 0.00068%; no homozygotes.

Submission:

Labcorp Genetics (formerly Invitae), Labcorp
Classification: Uncertain significance for Mitochondrial complex V (ATP synthase) deficiency, nuclear type 2. Last evaluated: 2022-02-21. Review status: criteria provided, single submitter. Criteria: Invitae Variant Classification Sherloc (09022015). Collection method: clinical testing. Allele origin: germline.
Comment: ClinVar contains an entry for this variant (Variation ID: 1039048). In summary, the available evidence is currently insufficient to determine the role of this variant in disease. Therefore, it has been classified as a Variant of Uncertain Significance. Algorithms developed to predict the effect of sequence changes on RNA splicing suggest that this variant may create or strengthen a splice site. Algorithms developed to predict the effect of missense changes on protein structure and function are either unavailable or do not agree on the potential impact of this missense change (SIFT: "Tolerated"; PolyPhen-2: "Probably Damaging"; Align-GVGD: "Class C0"). This variant has not been reported in the literature in individuals affected with TMEM70-related conditions. This variant is not present in population databases (gnomAD no frequency). This sequence change replaces glycine, which is neutral and non-polar, with valine, which is neutral and non-polar, at codon 92 of the TMEM70 protein (p.Gly92Val).